The following is an entry in ClinVar:

ClinVar aggregate classification (germline): Likely benign. Review status: criteria provided, multiple submitters, no conflicts (2 of 4 stars). 3 submissions from 3 submitters: Likely benign (2). 1 of the submissions does not count toward it. Last evaluated 2025-06-01.

Conditions:
ADAMTS9-related disorder. Also called: ADAMTS9-related condition.

Allele frequency attached by ClinVar (database versions not stated): ESP Exome Variant Server 0.00031; 1000 Genomes Project 0.00080; 1000 Genomes Project 30x 0.00094.
gnomAD v4.1: 903 of 1,614,132 alleles (0.056%); highest among the groups gnomAD compares: Middle Eastern, 0.12%; 1 homozygote.

Submissions (3):

CeGaT Center for Human Genetics Tuebingen
Classification: Likely benign. Last evaluated: 2025-06-01. Review status: criteria provided, single submitter. Criteria: CeGaT Center For Human Genetics Tuebingen Variant Classification Criteria Version 2. Collection method: clinical testing. Allele origin: germline. Affected: yes. Observed: 1 variant allele.
Comment: ADAMTS9: BP4, BP7

Blueprint Genetics
Classification: Likely benign. Last evaluated: 2024-11-26. Review status: criteria provided, single submitter. Criteria: ACMG Guidelines, 2015. Collection method: clinical testing. Allele origin: germline.

PreventionGenetics, part of Exact Sciences
Classification: Likely benign for ADAMTS9-related condition. Last evaluated: 2020-01-17. Review status: no assertion criteria provided. Collection method: clinical testing. Allele origin: germline. Not counted in ClinVar's aggregate classification.
Comment: This variant is classified as likely benign based on ACMG/AMP sequence variant interpretation guidelines (Richards et al. 2015 PMID: 25741868, with internal and published modifications).

NM_182920.2(ADAMTS9):c.5430C>A (p.Arg1810=)

Genes: ADAMTS9 (ADAM metallopeptidase with thrombospondin type 1 motif 9; minus strand), LOC126806704 (BRD4-independent group 4 enhancer GRCh37_chr3:64526487-64527686; plus strand). Cytogenetic location: 3p14.1.
Variant type: single nucleotide variant.
Coding change: c.5430C>A on transcript NM_182920.2 (MANE Select); coding-DNA position 5430, C replaced by A.
Protein change: p.Arg1810=; no amino-acid change (arginine 1810 retained).
Molecular consequence: synonymous variant.
Genome position (GRCh38, 1-based): chr3:64,541,186, G>T on the plus strand (C>A on the coding strand, the complement: ADAMTS9 is on the minus strand). VCF-style: chr3-64541186-G-T. GRCh37 (hg19) VCF-style: chr3-64526862-G-T.
Other names: c.5346C>A, p.Arg1782= (NM_001318781.2).
Identifiers: ClinVar variation 3052234 (VCV003052234.13), dbSNP rs140385164, ClinGen allele CA2480130.